The following is an entry in ClinVar:

NM_001018005.2(TPM1):c.416A>G (p.Glu139Gly)

Gene: TPM1 (tropomyosin 1; plus strand). Cytogenetic location: 15q22.2.
Variant type: single nucleotide variant.
Coding change: c.416A>G on transcript NM_001018005.2 (MANE Select); coding-DNA position 416, A replaced by G.
Protein change: p.Glu139Gly; replaces glutamic acid 139 with glycine.
Molecular consequence: missense variant.
Genome position (GRCh38, 1-based): chr15:63,059,604, A>G. VCF-style: chr15-63059604-A-G. GRCh37 (hg19) VCF-style: chr15-63351803-A-G.
Other names: c.416A>G, p.Glu139Gly (NM_000366.6, NM_001018004.2, NM_001018006.2 and 6 more transcripts); c.308A>G, p.Glu103Gly (NM_001018008.2, NM_001301289.2, NM_001330344.2 and 5 more transcripts); c.542A>G, p.Glu181Gly (NM_001365778.1); short protein forms E139G, E103G, E181G.
Identifiers: ClinVar variation 941043 (VCV000941043.9), dbSNP rs727504389, ClinGen allele CA392722124.

ClinVar aggregate classification (germline): Uncertain significance. Review status: criteria provided, multiple submitters, no conflicts (2 of 4 stars). 2 submissions from 2 submitters: Uncertain significance (2). Last evaluated 2025-06-18.

Conditions:
Cardiomyopathy (CMYO). Also called: Cardiomyopathies. Identifiers: Orphanet 167848, MedGen C0878544, MONDO:0004994, HP:0001638. Inheritance: Various modes of inheritance.
Hypertrophic cardiomyopathy. Also called: HYPERTROPHIC MYOCARDIOPATHY. Identifiers: Orphanet 217569, MedGen C0007194, MeSH D002312, MONDO:0005045, HP:0001639.

Submissions (2):

Color Diagnostics, LLC DBA Color Health
Classification: Uncertain significance for Cardiomyopathy. Last evaluated: 2025-06-18. Review status: criteria provided, single submitter. Criteria: ACMG Guidelines, 2015. Collection method: clinical testing. Allele origin: germline.
Comment: This missense variant replaces glutamic acid with glycine at codon 139 of the TPM1 protein. Computational prediction suggests that this variant may have a deleterious impact on protein structure and function. To our knowledge, functional studies have not been reported for this variant. This variant has not been reported in individuals affected with TPM1-related disorders in the literature. This variant has not been identified in the general population by the Genome Aggregation Database (gnomAD). The available evidence is insufficient to determine the role of this variant in disease conclusively. Therefore, this variant is classified as a Variant of Uncertain Significance.

Labcorp Genetics (formerly Invitae), Labcorp
Classification: Uncertain significance for Hypertrophic cardiomyopathy. Last evaluated: 2019-09-02. Review status: criteria provided, single submitter. Criteria: Invitae Variant Classification Sherloc (09022015). Collection method: clinical testing. Allele origin: germline.
Comment: Algorithms developed to predict the effect of missense changes on protein structure and function are either unavailable or do not agree on the potential impact of this missense change (SIFT: "Deleterious"; PolyPhen-2: "Probably Damaging"; Align-GVGD: "Class C0"). In summary, the available evidence is currently insufficient to determine the role of this variant in disease. Therefore, it has been classified as a Variant of Uncertain Significance. This variant is not present in population databases (ExAC no frequency). This sequence change replaces glutamic acid with glycine at codon 139 of the TPM1 protein (p.Glu139Gly). The glutamic acid residue is highly conserved and there is a moderate physicochemical difference between glutamic acid and glycine.